The following is an entry in ClinVar:

ClinVar aggregate classification (germline): Pathogenic (1 of 4 stars; one submission).

Conditions:
Osteogenesis imperfecta (OI). Identifiers: Orphanet 666, MedGen C0029434, MeSH D010013, MONDO:0019019.

Submission:

Women's Health and Genetics/Laboratory Corporation of America, LabCorp
Classification: Pathogenic for Osteogenesis imperfecta. Last evaluated: 2024-06-24. Review status: criteria provided, single submitter. Criteria: LabCorp Variant Classification Summary - May 2015. Collection method: clinical testing. Allele origin: germline.
Comment: Variant summary: COL1A1 c.752delG (p.Gly251ValfsX14) results in a premature termination codon, predicted to cause absence of the protein due to nonsense mediated decay, which is a commonly known mechanism for disease. The variant was absent in 251462 control chromosomes (gnomAD). To our knowledge, no occurrence of c.752delG in individuals affected with Osteogenesis Imperfecta and no experimental evidence demonstrating its impact on protein function have been reported. No submitters have cited clinical-significance assessments for this variant to ClinVar. Based on the evidence outlined above, the variant was classified as pathogenic.

NM_000088.4(COL1A1):c.752delG

Genes: COL1A1 (collagen type I alpha 1 chain; minus strand), LOC126862586 (CDK7 strongly-dependent group 2 enhancer GRCh37_chr17:48273702-48274901; plus strand). Cytogenetic location: 17q21.33.
Variant type: Deletion.
Coding change: c.752delG on transcript NM_000088.4 (MANE Select); coding-DNA position 752, one base deleted (G).
Molecular consequence: splice acceptor variant.
Genome position (GRCh38, 1-based): chr17:50,197,062, C deleted on the plus strand (G on the coding strand, the reverse complement: COL1A1 is on the minus strand); the first of 3 consecutive C bases (chr17:50,197,062-50,197,064); deleting any one gives the same sequence. VCF-style (leftmost placement, unchanged base first): chr17-50197061-AC-A. GRCh37 (hg19) VCF-style: chr17-48274422-AC-A.
Identifiers: ClinVar variation 3339810 (VCV003339810.1).
Genomic context (GRCh38, chr17:50,197,061, plus strand): 5'-GTGACTCACTCTGTGTCCCTTCATTCCAGGGAGGCCAGCTGTTCCGGGCAATCCTCGAGC[AC>A]CCTGGAGAGAGATGAAGAAGACAAGGAAGGGCCATTAGAACACATCACTGTGGACCCAGC-3'